The following is an entry in ClinVar:

ClinVar aggregate classification (germline): Likely benign. Review status: criteria provided, multiple submitters, no conflicts (2 of 4 stars). 3 submissions from 3 submitters: Likely benign (3). Last evaluated 2025-09-27.

Conditions:
TFG-related disorder. Also called: TFG-related disorders; TFG-related condition.
Hereditary motor and sensory neuropathy, Okinawa type (HMSNO). Also called: HEREDITARY MOTOR AND SENSORY NEUROPATHY, PROXIMAL TYPE. Identifiers: Orphanet 90117, MedGen C1858338, MONDO:0011468, OMIM 604484.
Hereditary spastic paraplegia 57. Also called: Spastic paraplegia 57, autosomal recessive. Identifiers: Orphanet 431329, MedGen C3714897, MONDO:0014295, OMIM 615658.

Allele frequency attached by ClinVar (database versions not stated): TOPMed 0.00002; gnomAD 0.00003 and 0.00004; gnomAD exomes 0.00004; ExAC 0.00005.
gnomAD v4.1: 48 of 1,613,852 alleles (0.003%); highest among the groups gnomAD compares: South Asian, 0.015%; no homozygotes.

Submissions (3):

PreventionGenetics, part of Exact Sciences
Classification: Likely benign for TFG-related condition. Last evaluated: 2025-09-27. Review status: criteria provided, single submitter. Criteria: ACMG Guidelines, 2015. Collection method: clinical testing. Allele origin: germline.
Comment: This variant is classified as likely benign based on ACMG/AMP sequence variant interpretation guidelines (Richards et al. 2015 PMID: 25741868, with internal and published modifications).

Labcorp Genetics (formerly Invitae), Labcorp
Classification: Likely benign for Hereditary motor and sensory neuropathy, Okinawa type; Hereditary spastic paraplegia 57. Last evaluated: 2025-09-20. Review status: criteria provided, single submitter. Criteria: Invitae Variant Classification Sherloc (09022015). Collection method: clinical testing. Allele origin: germline.

CeGaT Center for Human Genetics Tuebingen
Classification: Likely benign. Last evaluated: 2025-09-01. Review status: criteria provided, single submitter. Criteria: CeGaT Center For Human Genetics Tuebingen Variant Classification Criteria Version 2. Collection method: clinical testing. Allele origin: germline. Affected: yes. Observed: 1 variant allele.
Comment: TFG: BP4, BP7

NM_006070.6(TFG):c.1146G>A (p.Ala382=)

Gene: TFG (trafficking from ER to golgi regulator; plus strand). Cytogenetic location: 3q12.2.
Variant type: single nucleotide variant.
Coding change: c.1146G>A on transcript NM_006070.6 (MANE Select); coding-DNA position 1146, G replaced by A.
Protein change: p.Ala382=; no amino-acid change (alanine 382 retained).
Molecular consequence: synonymous variant.
Genome position (GRCh38, 1-based): chr3:100,748,474, G>A. VCF-style: chr3-100748474-G-A. GRCh37 (hg19) VCF-style: chr3-100467318-G-A.
Other names: c.1146G>A, p.Ala382= (NM_001007565.2, NM_001195478.2); c.1134G>A, p.Ala378= (NM_001195479.2).
Identifiers: ClinVar variation 737123 (VCV000737123.18), dbSNP rs761808737, ClinGen allele CA2517259.
Genomic context (GRCh38, chr3:100,748,474, plus strand): 5'-TTTTACTTCACTTCCTGGAAGTACCATGACCCCTCCTCCAAGTGGGCCTAATCCTTATGC[G>A]CGTAACCGTCCTCCCTTTGGTCAGGGCTATACCCAACCTGGACCTGGTTATCGATAAGGA-3'
Protein context (NP_006061.2, residues 372-392): TPPPSGPNPY[Ala382=]RNRPPFGQGY